The following is an entry in ClinVar:

NM_000426.4(LAMA2):c.8429A>G (p.His2810Arg)

Gene: LAMA2 (laminin subunit alpha 2; plus strand). Cytogenetic location: 6q22.33.
Variant type: single nucleotide variant.
Coding change: c.8429A>G on transcript NM_000426.4 (MANE Select); coding-DNA position 8429, A replaced by G.
Protein change: p.His2810Arg; replaces histidine 2810 with arginine.
Molecular consequence: missense variant.
Genome position (GRCh38, 1-based): chr6:129,503,162, A>G. VCF-style: chr6-129503162-A-G. GRCh37 (hg19) VCF-style: chr6-129824307-A-G.
Other names: c.8417A>G, p.His2806Arg (NM_001079823.2); short protein forms H2810R, H2806R.
Identifiers: ClinVar variation 1428500 (VCV001428500.5), dbSNP rs1195316218, ClinGen allele CA365634110.

ClinVar aggregate classification (germline): Uncertain significance (1 of 4 stars; one submission).

Conditions:
LAMA2-related muscular dystrophy (LAMA2-RD). Also called: Laminin alpha 2-related dystrophy. Identifiers: MedGen C5679788, MONDO:0100228.

Submission:

Labcorp Genetics (formerly Invitae), Labcorp
Classification: Uncertain significance for LAMA2-related muscular dystrophy. Last evaluated: 2021-09-01. Review status: criteria provided, single submitter. Criteria: Invitae Variant Classification Sherloc (09022015). Collection method: clinical testing. Allele origin: germline.
Comment: This sequence change replaces histidine with arginine at codon 2810 of the LAMA2 protein (p.His2810Arg). The histidine residue is moderately conserved and there is a small physicochemical difference between histidine and arginine. This variant is not present in population databases (ExAC no frequency). This variant has not been reported in the literature in individuals affected with LAMA2-related conditions. Advanced modeling of protein sequence and biophysical properties (such as structural, functional, and spatial information, amino acid conservation, physicochemical variation, residue mobility, and thermodynamic stability) performed at Invitae indicates that this missense variant is not expected to disrupt LAMA2 protein function. In summary, the available evidence is currently insufficient to determine the role of this variant in disease. Therefore, it has been classified as a Variant of Uncertain Significance.